The following is an entry in ClinVar:

ClinVar aggregate classification (germline): Uncertain significance (1 of 4 stars; one submission).

gnomAD v4.1: 1 of 1,614,032 alleles (0.000062%); highest among the groups gnomAD compares: Non-Finnish European, 0.000085%; no homozygotes.

Submission:

Mayo Clinic Laboratories, Mayo Clinic
Classification: Uncertain significance. Last evaluated: 2023-07-18. Review status: criteria provided, single submitter. Criteria: ACMG Guidelines, 2015. Collection method: clinical testing. Allele origin: germline. Observed: 1 variant allele.
Comment: PM2_moderate

NM_015346.4(ZFYVE26):c.6020G>C (p.Ser2007Thr)

Gene: ZFYVE26 (zinc finger FYVE-type containing 26; minus strand). Cytogenetic location: 14q24.1.
Variant type: single nucleotide variant.
Coding change: c.6020G>C on transcript NM_015346.4 (MANE Select); coding-DNA position 6020, G replaced by C.
Protein change: p.Ser2007Thr; replaces serine 2007 with threonine.
Molecular consequence: missense variant.
Genome position (GRCh38, 1-based): chr14:67,762,811, C>G on the plus strand (G>C on the coding strand, the complement: ZFYVE26 is on the minus strand). VCF-style: chr14-67762811-C-G. GRCh37 (hg19) VCF-style: chr14-68229528-C-G.
Other names: p.Ser2007Thr; short protein forms S2007T.
Identifiers: ClinVar variation 3380213 (VCV003380213.1).
Genomic context (GRCh38, chr14:67,762,811, plus strand): 5'-TCCAAAGATGGCACGTGGCGATAGGCAGCAGCAACTAAAATATTCAGCACATCTACCTTG[C>G]TGATGTAGCTACAAGGAGGAAAAGGGCAAGGCCATGAGGCTCCCTAGTGTCTTACTAAGA-3'
Protein context (NP_056161.2, residues 1997-2017): QDLALCDSYI[Ser2007Thr]KVDVLNILVA